The following is an entry in ClinVar:

ClinVar aggregate classification (germline): Uncertain significance (0 of 4 stars; one submission).

Conditions:
KSR2-related disorder. Also called: KSR2-related condition.

gnomAD v4.1: 9 of 1,581,702 alleles (0.00057%); highest among the groups gnomAD compares: Non-Finnish European, 0.00077%; no homozygotes.

Submission:

PreventionGenetics, part of Exact Sciences
Classification: Uncertain significance for KSR2-related condition. Last evaluated: 2024-02-08. Review status: no assertion criteria provided. Collection method: clinical testing. Allele origin: germline.
Comment: The KSR2 c.566C>T variant is predicted to result in the amino acid substitution p.Ala189Val. To our knowledge, this variant has not been reported in the literature. This variant is reported in 0.00098% of alleles in individuals of European (non-Finnish) descent in gnomAD. At this time, the clinical significance of this variant is uncertain due to the absence of conclusive functional and genetic evidence.

NM_173598.6(KSR2):c.653C>T (p.Ala218Val)

Gene: KSR2 (kinase suppressor of ras 2; minus strand). Cytogenetic location: 12q24.23.
Variant type: single nucleotide variant.
Coding change: c.653C>T on transcript NM_173598.6 (MANE Select); coding-DNA position 653, C replaced by T.
Protein change: p.Ala218Val; replaces alanine 218 with valine.
Molecular consequence: missense variant.
Genome position (GRCh38, 1-based): chr12:117,761,344, G>A on the plus strand (C>T on the coding strand, the complement: KSR2 is on the minus strand). VCF-style: chr12-117761344-G-A. GRCh37 (hg19) VCF-style: chr12-118199149-G-A.
Other names: short protein forms A218V.
Identifiers: ClinVar variation 3350138 (VCV003350138.1).